The following is an entry in ClinVar:

ClinVar aggregate classification (germline): Uncertain significance (1 of 4 stars; one submission).

Conditions:
Neuropathy, hereditary sensory and autonomic, type 2A (HSAN2A). Also called: WNK1-Related HSAN2 (HSAN2A); MORVAN DISEASE; NEUROPATHY, CONGENITAL SENSORY; NEUROPATHY, HEREDITARY SENSORY RADICULAR, AUTOSOMAL RECESSIVE; NEUROPATHY, HEREDITARY SENSORY, TYPE IIA; NEUROPATHY, PROGRESSIVE SENSORY, OF CHILDREN. Identifiers: Orphanet 970, MedGen C2752089, MONDO:0024309, OMIM 201300.
Pseudohypoaldosteronism type 2C (PHA2C). Also called: Pseudohypoaldosteronism Type IIC. Identifiers: Orphanet 757, Orphanet 88940, MedGen C1840391, MONDO:0013778, OMIM 614492.

Allele frequency attached by ClinVar (database versions not stated): TOPMed 0.00001; gnomAD 0.00002; ESP Exome Variant Server 0.00008; gnomAD exomes below 0.00001 and 0.00001; ExAC 0.00001.
gnomAD v4.1: 11 of 1,589,984 alleles (0.00069%); highest among the groups gnomAD compares: African/African-American, 0.0041%; no homozygotes.

Submission:

Labcorp Genetics (formerly Invitae), Labcorp
Classification: Uncertain significance for Neuropathy, hereditary sensory and autonomic, type 2A; Pseudohypoaldosteronism type 2C. Last evaluated: 2024-11-04. Review status: criteria provided, single submitter. Criteria: Invitae Variant Classification Sherloc (09022015). Collection method: clinical testing. Allele origin: germline.
Comment: This sequence change replaces valine, which is neutral and non-polar, with isoleucine, which is neutral and non-polar, at codon 1166 of the WNK1 protein (p.Val1166Ile). This variant is present in population databases (rs372798589, gnomAD 0.02%). This variant has not been reported in the literature in individuals affected with WNK1-related conditions. ClinVar contains an entry for this variant (Variation ID: 1359928). Invitae Evidence Modeling of protein sequence and biophysical properties (such as structural, functional, and spatial information, amino acid conservation, physicochemical variation, residue mobility, and thermodynamic stability) indicates that this missense variant is not expected to disrupt WNK1 protein function with a negative predictive value of 95%. In summary, the available evidence is currently insufficient to determine the role of this variant in disease. Therefore, it has been classified as a Variant of Uncertain Significance.

NM_213655.5(WNK1):c.3496G>A (p.Val1166Ile)

Gene: WNK1 (WNK lysine deficient protein kinase 1; plus strand). Cytogenetic location: 12p13.33.
Variant type: single nucleotide variant.
Coding change: c.3496G>A on transcript NM_213655.5 (MANE Plus Clinical); coding-DNA position 3496, G replaced by A.
Protein change: p.Val1166Ile; replaces valine 1166 with isoleucine.
Molecular consequence: missense variant. On other transcripts: intron variant (2).
Genome position (GRCh38, 1-based): chr12:868,967, G>A. VCF-style: chr12-868967-G-A. GRCh37 (hg19) VCF-style: chr12-978133-G-A.
Other names: c.3241G>A, p.Val1081Ile (NM_001184985.2); c.2140-2298G>A (NM_018979.4, NM_014823.3); short protein forms V1166I, V1081I.
Identifiers: ClinVar variation 1359928 (VCV001359928.6), dbSNP rs372798589, ClinGen allele CA6382368.
Genomic context (GRCh38, chr12:868,967, plus strand): 5'-CCCAGTGATTTTCAGTCACCTCCCCCTACAGGGGGAGCAGCTGCACCTTTTGGCTCTGAC[G>A]TCTCAATGCCCTTTATCCATCTGCCTCAGACAGTGTTACAAGAATCCCCACTTTTCTTCT-3'
Protein context (NP_998820.3, residues 1156-1176): GGAAAPFGSD[Val1166Ile]SMPFIHLPQT